The following is an entry in ClinVar:

ClinVar aggregate classification (germline): Uncertain significance (0 of 4 stars; one submission).

Conditions:
Prostate cancer. Also called: Malignant tumor of prostate. Identifiers: Orphanet 1331, MedGen C0376358, MONDO:0008315, HP:0012125.

Submission:

Science for Life laboratory,  Karolinska Institutet
Classification: Uncertain significance for Malignant tumor of prostate. Review status: no assertion criteria provided. Collection method: not provided. Allele origin: somatic.
Comment: TumorID:SWE-91A
ClinVar note: Converted during submission from Unknown to Uncertain significance.

NM_001206927.2(DNAH8):c.3333+7A>G

Gene: DNAH8 (dynein axonemal heavy chain 8; plus strand). Cytogenetic location: 6p21.2.
Variant type: single nucleotide variant.
Coding change: c.3333+7A>G on transcript NM_001206927.2 (MANE Select); 7 bases into the intron after coding-DNA position 3333, A replaced by G.
Molecular consequence: intron variant.
Genome position (GRCh38, 1-based): chr6:38,814,136, A>G. VCF-style: chr6-38814136-A-G. GRCh37 (hg19) VCF-style: chr6-38781912-A-G.
Other names: c.2682+7A>G (NM_001371.4).
Identifiers: ClinVar variation 161573 (VCV000161573.2), dbSNP rs193921092, ClinGen allele CA174374.